The following is an entry in ClinVar:

ClinVar aggregate classification (germline): Uncertain significance. Review status: criteria provided, multiple submitters, no conflicts (2 of 4 stars). 2 submissions from 2 submitters: Uncertain significance (2). Last evaluated 2022-04-07.

Conditions:
Epileptic encephalopathy. Identifiers: MedGen C0543888, HP:0200134.

Allele frequency attached by ClinVar (database versions not stated): ExAC 0.00001; gnomAD exomes 0.00001; gnomAD 0.00002 and 0.00003; TOPMed 0.00002; ESP Exome Variant Server 0.00008.
gnomAD v4.1: 44 of 1,612,156 alleles (0.0027%); highest among the groups gnomAD compares: East Asian, 0.0045%; no homozygotes.

Submissions (2):

Ambry Genetics
Classification: Uncertain significance. Last evaluated: 2022-04-07. Review status: criteria provided, single submitter. Criteria: Ambry Variant Classification Scheme 2023. Collection method: clinical testing. Allele origin: germline.

Labcorp Genetics (formerly Invitae), Labcorp
Classification: Uncertain significance for Epileptic encephalopathy. Last evaluated: 2020-07-30. Review status: criteria provided, single submitter. Criteria: Invitae Variant Classification Sherloc (09022015). Collection method: clinical testing. Allele origin: germline.
Comment: This variant is present in population databases (rs369433486, ExAC 0.002%). In summary, the available evidence is currently insufficient to determine the role of this variant in disease. Therefore, it has been classified as a Variant of Uncertain Significance. Algorithms developed to predict the effect of missense changes on protein structure and function output the following: SIFT: "Deleterious"; PolyPhen-2: "Benign"; Align-GVGD: "Class C0". The histidine amino acid residue is found in multiple mammalian species, suggesting that this missense change does not adversely affect protein function. These predictions have not been confirmed by published functional studies and their clinical significance is uncertain. This variant has not been reported in the literature in individuals with FASN-related conditions. This sequence change replaces arginine with histidine at codon 901 of the FASN protein (p.Arg901His). The arginine residue is highly conserved and there is a small physicochemical difference between arginine and histidine.

NM_004104.5(FASN):c.2702G>A (p.Arg901His)

Gene: FASN (fatty acid synthase; minus strand). Cytogenetic location: 17q25.3.
Variant type: single nucleotide variant.
Coding change: c.2702G>A on transcript NM_004104.5 (MANE Select); coding-DNA position 2702, G replaced by A.
Protein change: p.Arg901His; replaces arginine 901 with histidine.
Molecular consequence: missense variant.
Genome position (GRCh38, 1-based): chr17:82,088,199, C>T on the plus strand (G>A on the coding strand, the complement: FASN is on the minus strand). VCF-style: chr17-82088199-C-T. GRCh37 (hg19) VCF-style: chr17-80046075-C-T.
Other names: c.2702G>A (NM_004104.4); short protein forms R901H.
Identifiers: ClinVar variation 1014767 (VCV001014767.9), dbSNP rs369433486, ClinGen allele CA8852679.